The following is an entry in ClinVar:

ClinVar aggregate classification (germline): Uncertain significance (1 of 4 stars; one submission).

Conditions:
KSR2-related disorder. Also called: KSR2-related condition.

gnomAD v4.1: 4 of 1,613,564 alleles (0.00025%); highest among the groups gnomAD compares: South Asian, 0.0011%; no homozygotes.

Submission:

PreventionGenetics, part of Exact Sciences
Classification: Uncertain significance for KSR2-related condition. Last evaluated: 2025-06-16. Review status: criteria provided, single submitter. Criteria: ACMG Guidelines, 2015. Collection method: clinical testing. Allele origin: germline.
Comment: The KSR2 c.1735C>T variant is predicted to result in the amino acid substitution p.Leu579Phe. To our knowledge, this variant has not been reported in the literature. This variant is reported in 0.00089% of alleles in individuals of European (Non-Finnish) descent in gnomAD. At this time, the clinical significance of this variant is uncertain due to the absence of conclusive functional and genetic evidence.

NM_173598.6(KSR2):c.1822C>T (p.Leu608Phe)

Gene: KSR2 (kinase suppressor of ras 2; minus strand). Cytogenetic location: 12q24.22.
Variant type: single nucleotide variant.
Coding change: c.1822C>T on transcript NM_173598.6 (MANE Select); coding-DNA position 1822, C replaced by T.
Protein change: p.Leu608Phe; replaces leucine 608 with phenylalanine.
Molecular consequence: missense variant.
Genome position (GRCh38, 1-based): chr12:117,527,100, G>A on the plus strand (C>T on the coding strand, the complement: KSR2 is on the minus strand). VCF-style: chr12-117527100-G-A. GRCh37 (hg19) VCF-style: chr12-117964905-G-A.
Other names: short protein forms L608F.
Identifiers: ClinVar variation 4988839 (VCV004988839.1).
Genomic context (GRCh38, chr12:117,527,100, plus strand): 5'-AAATGTCGCTTCACTGCTCTCTGATTCTCACCTCCGACGTTGGCTCCACTTCAATTTGAA[G>A]TAATGGATTTCCTTCCAAGCTGTAAAGAAAGAAAAATAAACGTGATCCCTAGGTGAAAAG-3'
Protein context (NP_775869.4, residues 598-618): SNPILEGNPL[Leu608Phe]QIEVEPTSEN